The following is an entry in ClinVar:

ClinVar aggregate classification (germline): Uncertain significance (1 of 4 stars; one submission).

Allele frequency attached by ClinVar (database versions not stated): gnomAD exomes below 0.00001.

Submission:

Ambry Genetics
Classification: Uncertain significance. Last evaluated: 2022-12-23. Review status: criteria provided, single submitter. Criteria: Ambry Variant Classification Scheme 2023. Collection method: clinical testing. Allele origin: germline.
Comment: The p.M1189K variant (also known as c.3566T>A), located in coding exon 4 of the MLH3 gene, results from a T to A substitution at nucleotide position 3566. The methionine at codon 1189 is replaced by lysine, an amino acid with similar properties. This amino acid position is conserved. In addition, this alteration is predicted to be deleterious by in silico analysis. Since supporting evidence is limited at this time, the clinical significance of this alteration remains unclear.

NM_001040108.2(MLH3):c.3566T>A (p.Met1189Lys)

Gene: MLH3 (mutL homolog 3; minus strand). Cytogenetic location: 14q24.3.
Variant type: single nucleotide variant.
Coding change: c.3566T>A on transcript NM_001040108.2 (MANE Select); coding-DNA position 3566, T replaced by A.
Protein change: p.Met1189Lys; replaces methionine 1189 with lysine.
Molecular consequence: missense variant.
Genome position (GRCh38, 1-based): chr14:75,039,915, A>T on the plus strand (T>A on the coding strand, the complement: MLH3 is on the minus strand). VCF-style: chr14-75039915-A-T. GRCh37 (hg19) VCF-style: chr14-75506618-A-T.
Other names: c.3566T>A, p.Met1189Lys (NM_014381.3); short protein forms M1189K.
Identifiers: ClinVar variation 2448631 (VCV002448631.2), dbSNP rs1235807622, ClinGen allele CA390428280.